The following is an entry in ClinVar:

ClinVar aggregate classification (germline): Uncertain significance. Review status: criteria provided, multiple submitters, no conflicts (2 of 4 stars). 3 submissions from 3 submitters: Uncertain significance (3). Last evaluated 2024-05-05.

Conditions:
Cardiac arrhythmia, ankyrin-B-related. Also called: ANKYRIN-B SYNDROME. Identifiers: Orphanet 101016, Orphanet 768, MedGen C1970119, MONDO:0010958, OMIM 600919.
Cardiovascular phenotype. Identifiers: MedGen CN230736.

Allele frequency attached by ClinVar (database versions not stated): gnomAD exomes below 0.00001 and 0.00001; TOPMed below 0.00001; gnomAD 0.00001.
gnomAD v4.1: 21 of 1,614,014 alleles (0.0013%); highest among the groups gnomAD compares: East Asian, 0.036%; no homozygotes.

Submissions (3):

Ambry Genetics
Classification: Uncertain significance for Cardiovascular phenotype. Last evaluated: 2024-05-05. Review status: criteria provided, single submitter. Criteria: Ambry Variant Classification Scheme 2023. Collection method: clinical testing. Allele origin: germline.
Comment: The p.H2950Y variant (also known as c.8848C>T), located in coding exon 38 of the ANK2 gene, results from a C to T substitution at nucleotide position 8848. The histidine at codon 2950 is replaced by tyrosine, an amino acid with similar properties. This amino acid position is conserved. In addition, this alteration is predicted to be tolerated by in silico analysis. Based on the available evidence, the clinical significance of this variant remains unclear.

GeneDx
Classification: Uncertain significance. Last evaluated: 2018-05-22. Review status: criteria provided, single submitter. Criteria: GeneDx Variant Classification (06012015). Collection method: clinical testing. Allele origin: germline. Affected: yes.
Comment: A variant of uncertain significance has been identified in the ANK2 gene. The H2950Y variant has not been published as pathogenic or been reported as benign to our knowledge. This variant is observed in 2/18836 (0.01%) alleles from individuals of East Asian ancestry in large population cohorts (Lek et al., 2016). The H2950Y variant is a non-conservative amino acid substitution, which is likely to impact secondary protein structure as these residues differ in polarity, charge, size and/or other properties. However, in-silico analyses, including protein predictors and evolutionary conservation, support that this variant does not alter protein structure/function. Therefore, based on the currently available information, it is unclear whether this variant is pathogenic or rare benign.

Illumina Laboratory Services, Illumina
Classification: Uncertain significance for Cardiac arrhythmia, ankyrin-B-related. Last evaluated: 2018-01-13. Review status: criteria provided, single submitter. Criteria: ICSL Variant Classification Criteria 13 December 2019. Collection method: clinical testing. Allele origin: germline.

NM_001148.6(ANK2):c.8848C>T (p.His2950Tyr)

Gene: ANK2 (ankyrin 2; plus strand). Cytogenetic location: 4q26.
Variant type: single nucleotide variant.
Coding change: c.8848C>T on transcript NM_001148.6 (MANE Select); coding-DNA position 8848, C replaced by T.
Protein change: p.His2950Tyr; replaces histidine 2950 with tyrosine.
Molecular consequence: missense variant. On other transcripts: intron variant (68).
Genome position (GRCh38, 1-based): chr4:113,357,466, C>T. VCF-style: chr4-113357466-C-T. GRCh37 (hg19) VCF-style: chr4-114278622-C-T.
Other names: c.8614C>T, p.His2872Tyr (NM_001386142.1); c.5248C>T, p.His1750Tyr (NM_001386166.1); c.8989C>T, p.His2997Tyr (NM_001386174.1); c.8965C>T, p.His2989Tyr (NM_001386175.1); c.4412-3357C>T (NM_001386186.2, NM_001386148.2); c.4214-3357C>T (NM_001354269.3); c.4292-3357C>T (NM_001386187.2); c.4253-3357C>T (NM_001386147.1); and 35 more; short protein forms H2950Y, H1750Y, H2872Y, H2989Y, H2997Y.
Identifiers: ClinVar variation 546464 (VCV000546464.7), dbSNP rs1215585753, ClinGen allele CA357935671.